The following is an entry in ClinVar:

NM_004947.5(DOCK3):c.4801G>A (p.Glu1601Lys)

Gene: DOCK3 (dedicator of cytokinesis 3; plus strand). Cytogenetic location: 3p21.2.
Variant type: single nucleotide variant.
Coding change: c.4801G>A on transcript NM_004947.5 (MANE Select); coding-DNA position 4801, G replaced by A.
Protein change: p.Glu1601Lys; replaces glutamic acid 1601 with lysine.
Molecular consequence: missense variant.
Genome position (GRCh38, 1-based): chr3:51,357,994, G>A. VCF-style: chr3-51357994-G-A. GRCh37 (hg19) VCF-style: chr3-51395425-G-A.
Other names: short protein forms E1601K.
Identifiers: ClinVar variation 967572 (VCV000967572.6), dbSNP rs1402275721, ClinGen allele CA352974173.

ClinVar aggregate classification (germline): Uncertain significance (1 of 4 stars; one submission).

Allele frequency attached by ClinVar (database versions not stated): gnomAD exomes below 0.00001; gnomAD 0.00001; TOPMed 0.00001.
gnomAD v4.1: 2 of 1,613,900 alleles (0.00012%); highest among the groups gnomAD compares: African/African-American, 0.0013%; no homozygotes.

Submission:

Labcorp Genetics (formerly Invitae), Labcorp
Classification: Uncertain significance. Last evaluated: 2019-09-28. Review status: criteria provided, single submitter. Criteria: Invitae Variant Classification Sherloc (09022015). Collection method: clinical testing. Allele origin: germline.
Comment: This sequence change replaces glutamic acid with lysine at codon 1601 of the DOCK3 protein (p.Glu1601Lys). The glutamic acid residue is highly conserved and there is a small physicochemical difference between glutamic acid and lysine. In summary, the available evidence is currently insufficient to determine the role of this variant in disease. Therefore, it has been classified as a Variant of Uncertain Significance. Algorithms developed to predict the effect of missense changes on protein structure and function (SIFT, PolyPhen-2, Align-GVGD) all suggest that this variant is likely to be tolerated, but these predictions have not been confirmed by published functional studies and their clinical significance is uncertain. This variant has not been reported in the literature in individuals with DOCK3-related conditions. This variant is not present in population databases (ExAC no frequency).